The following is an entry in ClinVar:

NM_000321.3(RB1):c.2187G>A (p.Lys729=)

Gene: RB1 (RB transcriptional corepressor 1; plus strand). Cytogenetic location: 13q14.2.
Variant type: single nucleotide variant.
Coding change: c.2187G>A on transcript NM_000321.3 (MANE Select); coding-DNA position 2187, G replaced by A.
Protein change: p.Lys729=; no amino-acid change (lysine 729 retained).
Molecular consequence: synonymous variant.
Genome position (GRCh38, 1-based): chr13:48,463,811, G>A. VCF-style: chr13-48463811-G-A. GRCh37 (hg19) VCF-style: chr13-49037947-G-A.
Other names: c.2187G>A, p.Lys729= (NM_001407165.1).
Identifiers: ClinVar variation 4085751 (VCV004085751.9).
Genomic context (GRCh38, chr13:48,463,811, plus strand): 5'-TGGCATATGCAAAGTGAAGAATATAGACCTTAAATTCAAAATCATTGTAACAGCATACAA[G>A]GATCTTCCTCATGCTGTTCAGGAGGTAGGTAATTTTCCATAGTAAGTTTTTTTGATAAAT-3'
Protein context (NP_000312.2, residues 719-739): LKFKIIVTAY[Lys729=]DLPHAVQETF

ClinVar aggregate classification (germline): Likely benign. Review status: criteria provided, multiple submitters, no conflicts (2 of 4 stars). 2 submissions from 2 submitters: Likely benign (2). Last evaluated 2025-08-30.

Conditions:
Hereditary cancer-predisposing syndrome. Also called: Hereditary Cancer Syndrome; Neoplastic Syndromes, Hereditary; Tumor predisposition; Hereditary neoplastic syndrome. Identifiers: Orphanet 140162, MedGen C0027672, MeSH D009386, MONDO:0015356.

gnomAD v4.1: 1 of 1,604,928 alleles (0.000062%); highest among the groups gnomAD compares: South Asian, 0.0011%; no homozygotes.

Submissions (2):

Ambry Genetics
Classification: Likely benign for Hereditary cancer-predisposing syndrome. Last evaluated: 2025-08-30. Review status: criteria provided, single submitter. Criteria: Ambry Variant Classification Scheme 2023. Collection method: clinical testing. Allele origin: germline.

CeGaT Center for Human Genetics Tuebingen
Classification: Likely benign. Last evaluated: 2025-08-01. Review status: criteria provided, single submitter. Criteria: CeGaT Center For Human Genetics Tuebingen Variant Classification Criteria Version 2. Collection method: clinical testing. Allele origin: germline. Affected: yes. Observed: 1 variant allele.
Comment: RB1: BP4, BP7